The following is an entry in ClinVar:

ClinVar aggregate classification (germline): Uncertain significance (1 of 4 stars; one submission).

Conditions:
Rhabdoid tumor predisposition syndrome 2 (RTPS2). Identifiers: Orphanet 231108, Orphanet 69077, MedGen C2750074, MONDO:0013224, OMIM 613325.

Allele frequency attached by ClinVar (database versions not stated): TOPMed below 0.00001; gnomAD 0.00001.
gnomAD v4.1: 1 of 1,613,770 alleles (0.000062%); highest among the groups gnomAD compares: African/African-American, 0.0013%; no homozygotes.

Submission:

Labcorp Genetics (formerly Invitae), Labcorp
Classification: Uncertain significance for Rhabdoid tumor predisposition syndrome 2. Last evaluated: 2023-07-25. Review status: criteria provided, single submitter. Criteria: Invitae Variant Classification Sherloc (09022015). Collection method: clinical testing. Allele origin: germline.
Comment: This sequence change replaces proline, which is neutral and non-polar, with histidine, which is basic and polar, at codon 143 of the SMARCA4 protein (p.Pro143His). This variant is not present in population databases (gnomAD no frequency). This variant has not been reported in the literature in individuals affected with SMARCA4-related conditions. ClinVar contains an entry for this variant (Variation ID: 1931838). Advanced modeling of protein sequence and biophysical properties (such as structural, functional, and spatial information, amino acid conservation, physicochemical variation, residue mobility, and thermodynamic stability) has been performed at Invitae for this missense variant, however the output from this modeling did not meet the statistical confidence thresholds required to predict the impact of this variant on SMARCA4 protein function. In summary, the available evidence is currently insufficient to determine the role of this variant in disease. Therefore, it has been classified as a Variant of Uncertain Significance.

NM_003072.5(SMARCA4):c.428C>A (p.Pro143His)

Gene: SMARCA4 (SWI/SNF related BAF chromatin remodeling complex subunit ATPase 4; plus strand). Cytogenetic location: 19p13.2.
Variant type: single nucleotide variant.
Coding change: c.428C>A on transcript NM_003072.5 (MANE Select); coding-DNA position 428, C replaced by A.
Protein change: p.Pro143His; replaces proline 143 with histidine.
Molecular consequence: missense variant. On other transcripts: non-coding transcript variant (1).
Genome position (GRCh38, 1-based): chr19:10,986,261, C>A. VCF-style: chr19-10986261-C-A. GRCh37 (hg19) VCF-style: chr19-11096937-C-A.
Other names: c.428C>A, p.Pro143His (NM_001128844.3, NM_001128845.2, NM_001128846.2 and 6 more transcripts); short protein forms P143H.
Identifiers: ClinVar variation 1931838 (VCV001931838.5), dbSNP rs2086021985, ClinGen allele CA404055913.